The following is an entry in ClinVar:

ClinVar aggregate classification (germline): Pathogenic. Review status: criteria provided, multiple submitters, no conflicts (2 of 4 stars). 3 submissions from 3 submitters: Pathogenic (2). 1 of the submissions does not count toward it. Last evaluated 2025-04-30.

Conditions:
Neuropathy, hereditary sensory and autonomic, type 2A (HSAN2A). Also called: HSAN IIA; ACROOSTEOLYSIS, GIACCAI TYPE; ACROOSTEOLYSIS, NEUROGENIC; MORVAN DISEASE; NEUROPATHY, CONGENITAL SENSORY; NEUROPATHY, HEREDITARY SENSORY RADICULAR, AUTOSOMAL RECESSIVE. Identifiers: Orphanet 970, MedGen C2752089, MONDO:0024309, OMIM 201300.
Generalized epilepsy with febrile seizures plus, type 7 (GEFSP7). Also called: GEFS+, TYPE 7. Identifiers: Orphanet 36387, MedGen C2751778, MONDO:0013470, OMIM 613863.
Paroxysmal extreme pain disorder (PEXPD). Also called: RECTAL PAIN, FAMILIAL; PAIN, SUBMANDIBULAR, OCULAR, AND RECTAL, WITH FLUSHING; SCN9A Paroxysmal Extreme Pain Disorder (SCN9A-PEPD). Identifiers: Orphanet 46348, MedGen C1833661, MONDO:0008179, OMIM 167400.

Submissions (3):

Mayo Clinic Laboratories, Mayo Clinic
Classification: Pathogenic. Last evaluated: 2025-04-30. Review status: criteria provided, single submitter. Criteria: ACMG Guidelines, 2015. Collection method: clinical testing. Allele origin: germline. Observed: 1 variant allele.
Comment: PP1_strong, PP3_moderate, PM2_supporting, PS3

Labcorp Genetics (formerly Invitae), Labcorp
Classification: Pathogenic for Neuropathy, hereditary sensory and autonomic, type 2A; Generalized epilepsy with febrile seizures plus, type 7. Last evaluated: 2022-08-09. Review status: criteria provided, single submitter. Criteria: Invitae Variant Classification Sherloc (09022015). Collection method: clinical testing. Allele origin: germline.
Comment: This missense change has been observed in individual(s) with autosomal dominant paroxysmal extreme pain disorder (PMID: 17145499). It has also been observed to segregate with disease in related individuals. For these reasons, this variant has been classified as Pathogenic. Experimental studies have shown that this missense change affects SCN9A function (PMID: 17145499, 18599537, 20038812, 21115638). Advanced modeling of protein sequence and biophysical properties (such as structural, functional, and spatial information, amino acid conservation, physicochemical variation, residue mobility, and thermodynamic stability) performed at Invitae indicates that this missense variant is expected to disrupt SCN9A protein function. ClinVar contains an entry for this variant (Variation ID: 6360). This variant is not present in population databases (gnomAD no frequency). This sequence change replaces isoleucine, which is neutral and non-polar, with threonine, which is neutral and polar, at codon 1461 of the SCN9A protein (p.Ile1461Thr).

OMIM
Classification: Pathogenic for PAROXYSMAL EXTREME PAIN DISORDER. Last evaluated: 2006-12-07. Review status: no assertion criteria provided. Collection method: literature only. Allele origin: germline. Not counted in ClinVar's aggregate classification.

Literature cited by the submitters: PubMed 17145499 (cited by 3 submitters); PubMed 18599537 (cited by Mayo Clinic Laboratories, Mayo Clinic and Labcorp Genetics (formerly Invitae), Labcorp); PubMed 20038812 (cited by Mayo Clinic Laboratories, Mayo Clinic and Labcorp Genetics (formerly Invitae), Labcorp); PubMed 21115638 (cited by Labcorp Genetics (formerly Invitae), Labcorp).

NM_001365536.1(SCN9A):c.4415T>C (p.Ile1472Thr)

Genes: SCN1A-AS1 (SCN1A and SCN9A antisense RNA 1; plus strand), SCN9A (sodium voltage-gated channel alpha subunit 9; minus strand). Cytogenetic location: 2q24.3.
Variant type: single nucleotide variant.
Coding change: c.4415T>C on transcript NM_001365536.1 (MANE Select); coding-DNA position 4415, T replaced by C.
Protein change: p.Ile1472Thr; replaces isoleucine 1472 with threonine.
Molecular consequence: missense variant.
Genome position (GRCh38, 1-based): chr2:166,204,448, A>G on the plus strand (T>C on the coding strand, the complement: SCN9A is on the minus strand). VCF-style: chr2-166204448-A-G. GRCh37 (hg19) VCF-style: chr2-167060958-A-G.
Other names: p.Ile1461Thr; c.4382T>C, p.Ile1461Thr (NM_002977.4); short protein forms I1461T, I1472T.
Identifiers: ClinVar variation 6360 (VCV000006360.8), dbSNP rs121908914, ClinGen allele CA118152.